The following is an entry in ClinVar:

NC_000011.10:g.102956023T>A

Genes: MMP13 (matrix metallopeptidase 13; minus strand), LOC126861318 (BRD4-independent group 4 enhancer GRCh37_chr11:102825894-102827093; plus strand). Cytogenetic location: 11q22.2.
Variant type: single nucleotide variant.
Genome position: GRCh38 VCF-style: chr11-102956023-T-A. GRCh37 (hg19) VCF-style: chr11-102826752-T-A.
Identifiers: ClinVar variation 1277917 (VCV001277917.2), dbSNP rs2509110, ClinGen allele CA227377377.

ClinVar aggregate classification (germline): Benign (1 of 4 stars; one submission).

Allele frequency attached by ClinVar (database versions not stated): 1000 Genomes Project 0.95647.

Submission:

GeneDx
Classification: Benign. Last evaluated: 2019-08-06. Review status: criteria provided, single submitter. Criteria: GeneDx Variant Classification Process June 2021. Collection method: clinical testing. Allele origin: germline. Affected: yes.
Comment: This variant is associated with the following publications: (PMID: 26635116)